The following is an entry in ClinVar:

ClinVar aggregate classification (germline): Pathogenic. Review status: criteria provided, multiple submitters, no conflicts (2 of 4 stars). 2 submissions from 2 submitters: Pathogenic (2). Last evaluated 2025-08-03.

Allele frequency attached by ClinVar (database versions not stated): gnomAD exomes below 0.00001.

Submissions (2):

Labcorp Genetics (formerly Invitae), Labcorp
Classification: Pathogenic. Last evaluated: 2025-08-03. Review status: criteria provided, single submitter. Criteria: Invitae Variant Classification Sherloc (09022015). Collection method: clinical testing. Allele origin: germline.
Comment: This sequence change creates a premature translational stop signal (p.Gln481*) in the CERKL gene. It is expected to result in an absent or disrupted protein product. Loss-of-function variants in CERKL are known to be pathogenic (PMID: 14681825, 23591405, 24043777). This variant is present in population databases (no rsID available, gnomAD no frequency). This variant has not been reported in the literature in individuals affected with CERKL-related conditions. ClinVar contains an entry for this variant (Variation ID: 986982). For these reasons, this variant has been classified as Pathogenic.

Institute of Medical Genetics and Applied Genomics, University Hospital Tübingen
Classification: Pathogenic. Last evaluated: 2020-10-23. Review status: criteria provided, single submitter. Criteria: ACMG Guidelines, 2015. Collection method: clinical testing. Allele origin: germline. Inheritance: Autosomal recessive inheritance. Affected: yes.

Literature cited by the submitters: PubMed 14681825 (cited by Labcorp Genetics (formerly Invitae), Labcorp); PubMed 23591405 (cited by Labcorp Genetics (formerly Invitae), Labcorp); PubMed 24043777 (cited by Labcorp Genetics (formerly Invitae), Labcorp).

NM_201548.5(CERKL):c.1363C>T (p.Gln455Ter)

Gene: CERKL (CERK like autophagy regulator; minus strand). Cytogenetic location: 2q31.3.
Variant type: single nucleotide variant.
Coding change: c.1363C>T on transcript NM_201548.5 (MANE Select); coding-DNA position 1363, C replaced by T.
Protein change: p.Gln455Ter; replaces glutamine 455 with a stop codon.
Molecular consequence: nonsense. On other transcripts: non-coding transcript variant (2).
Genome position (GRCh38, 1-based): chr2:181,544,702, G>A on the plus strand (C>T on the coding strand, the complement: CERKL is on the minus strand). VCF-style: chr2-181544702-G-A. GRCh37 (hg19) VCF-style: chr2-182409429-G-A.
Other names: c.1441C>T, p.Gln481Ter (NM_001030311.3); c.1024C>T, p.Gln342Ter (NM_001030312.3); c.1156C>T, p.Gln386Ter (NM_001030313.3); c.1309C>T, p.Gln437Ter (NM_001160277.2); short protein forms Q342*, Q386*, Q437*, Q455*, Q481*.
Identifiers: ClinVar variation 986982 (VCV000986982.8), dbSNP rs928004913, ClinGen allele CA349734334.